The following is an entry in ClinVar:

NM_199355.4(ADAMTS18):c.3403-8T>G

Genes: ADAMTS18 (ADAM metallopeptidase with thrombospondin type 1 motif 18; minus strand), LOC126862407 (CDK7 strongly-dependent group 2 enhancer GRCh37_chr16:77322970-77324169; plus strand). Cytogenetic location: 16q23.1.
Variant type: single nucleotide variant.
Coding change: c.3403-8T>G on transcript NM_199355.4 (MANE Select); 8 bases into the intron before coding-DNA position 3403, T replaced by G.
Molecular consequence: intron variant.
Genome position (GRCh38, 1-based): chr16:77,289,419, A>C on the plus strand (T>G on the coding strand, the complement: ADAMTS18 is on the minus strand). VCF-style: chr16-77289419-A-C. GRCh37 (hg19) VCF-style: chr16-77323316-A-C.
Other names: c.2887-8T>G (NM_001326358.2).
Identifiers: ClinVar variation 1047407 (VCV001047407.9), dbSNP rs2055321024, ClinGen allele CA496589593.

ClinVar aggregate classification (germline): Uncertain significance (1 of 4 stars; one submission).

Submission:

Labcorp Genetics (formerly Invitae), Labcorp
Classification: Uncertain significance. Last evaluated: 2020-06-02. Review status: criteria provided, single submitter. Criteria: Invitae Variant Classification Sherloc (09022015). Collection method: clinical testing. Allele origin: germline.
Comment: Algorithms developed to predict the effect of sequence changes on RNA splicing suggest that this variant may disrupt the consensus splice site, but this prediction has not been confirmed by published transcriptional studies. This variant has not been reported in the literature in individuals with ADAMTS18-related conditions. This variant is not present in population databases (ExAC no frequency). This sequence change falls in intron 21 of the ADAMTS18 gene. It does not directly change the encoded amino acid sequence of the ADAMTS18 protein. In summary, the available evidence is currently insufficient to determine the role of this variant in disease. Therefore, it has been classified as a Variant of Uncertain Significance.